The following is an entry in ClinVar:

NM_002519.3(NPAT):c.818+5G>A

Gene: NPAT (nuclear protein, coactivator of histone transcription; minus strand). Cytogenetic location: 11q22.3.
Variant type: single nucleotide variant.
Coding change: c.818+5G>A on transcript NM_002519.3 (MANE Select); 5 bases into the intron after coding-DNA position 818, G replaced by A.
Molecular consequence: intron variant.
Genome position (GRCh38, 1-based): chr11:108,185,398, C>T on the plus strand (G>A on the coding strand, the complement: NPAT is on the minus strand). VCF-style: chr11-108185398-C-T. GRCh37 (hg19) VCF-style: chr11-108056125-C-T.
Other names: c.818+5G>A (NM_001321307.1).
Identifiers: ClinVar variation 2837560 (VCV002837560.3), dbSNP rs1164358756, ClinGen allele CA601683345.

ClinVar aggregate classification (germline): Uncertain significance (1 of 4 stars; one submission).

gnomAD v4.1: 1 of 1,587,650 alleles (0.000063%); no homozygotes.

Submission:

Labcorp Genetics (formerly Invitae), Labcorp
Classification: Uncertain significance. Last evaluated: 2023-02-14. Review status: criteria provided, single submitter. Criteria: Invitae Variant Classification Sherloc (09022015). Collection method: clinical testing. Allele origin: germline.
Comment: This sequence change falls in intron 9 of the NPAT gene. It does not directly change the encoded amino acid sequence of the NPAT protein. It affects a nucleotide within the consensus splice site. This variant is not present in population databases (gnomAD no frequency). This variant has not been reported in the literature in individuals affected with NPAT-related conditions. Variants that disrupt the consensus splice site are a relatively common cause of aberrant splicing (PMID: 17576681, 9536098). Algorithms developed to predict the effect of sequence changes on RNA splicing suggest that this variant is not likely to affect RNA splicing. In summary, the available evidence is currently insufficient to determine the role of this variant in disease. Therefore, it has been classified as a Variant of Uncertain Significance.

Literature cited by the submitters: PubMed 17576681; PubMed 9536098.